The following is an entry in ClinVar:

ClinVar aggregate classification (germline): Uncertain significance. Review status: criteria provided, multiple submitters, no conflicts (2 of 4 stars). 2 submissions from 2 submitters: Uncertain significance (2). Last evaluated 2025-09-17.

Conditions:
Hereditary cancer-predisposing syndrome. Also called: Hereditary neoplastic syndrome; Tumor predisposition; Hereditary Cancer Syndrome; Neoplastic Syndromes, Hereditary. Identifiers: Orphanet 140162, MedGen C0027672, MeSH D009386, MONDO:0015356.
Neuroblastoma, susceptibility to, 3. Also called: ALK-Related Neuroblastic Tumor Susceptibility. Identifiers: Orphanet 635, MedGen C2751681, MONDO:0013083, OMIM 613014.

Allele frequency attached by ClinVar (database versions not stated): gnomAD 0.00005; TOPMed 0.00006; 1000 Genomes Project 30x 0.00016.
gnomAD v4.1: 121 of 1,550,164 alleles (0.0078%); highest among the groups gnomAD compares: Non-Finnish European, 0.01%; no homozygotes.

Submissions (2):

Labcorp Genetics (formerly Invitae), Labcorp
Classification: Uncertain significance for Neuroblastoma, susceptibility to, 3. Last evaluated: 2025-09-17. Review status: criteria provided, single submitter. Criteria: Invitae Variant Classification Sherloc (09022015). Collection method: clinical testing. Allele origin: germline.
Comment: This sequence change replaces serine, which is neutral and polar, with tyrosine, which is neutral and polar, at codon 15 of the ALK protein (p.Ser15Tyr). The frequency data for this variant in the population databases is considered unreliable, as metrics indicate poor data quality at this position in the gnomAD database. This variant has not been reported in the literature in individuals affected with ALK-related conditions. ClinVar contains an entry for this variant (Variation ID: 576342). An algorithm developed to predict the effect of missense changes on protein structure and function (PolyPhen-2) suggests that this variant is likely to be tolerated. In summary, the available evidence is currently insufficient to determine the role of this variant in disease. Therefore, it has been classified as a Variant of Uncertain Significance.

Ambry Genetics
Classification: Uncertain significance for Hereditary cancer-predisposing syndrome. Last evaluated: 2024-12-24. Review status: criteria provided, single submitter. Criteria: Ambry Variant Classification Scheme 2023. Collection method: clinical testing. Allele origin: germline.
Comment: The p.S15Y variant (also known as c.44C>A), located in coding exon 1 of the ALK gene, results from a C to A substitution at nucleotide position 44. The serine at codon 15 is replaced by tyrosine, an amino acid with dissimilar properties. This amino acid position is not well conserved in available vertebrate species. In addition, this alteration is predicted to be tolerated by in silico analysis. Based on the available evidence, the clinical significance of this variant remains unclear.

NM_004304.5(ALK):c.44C>A (p.Ser15Tyr)

Gene: ALK (ALK receptor tyrosine kinase; minus strand). Cytogenetic location: 2p23.1.
Variant type: single nucleotide variant.
Coding change: c.44C>A on transcript NM_004304.5 (MANE Select); coding-DNA position 44, C replaced by A.
Protein change: p.Ser15Tyr; replaces serine 15 with tyrosine.
Molecular consequence: missense variant.
Genome position (GRCh38, 1-based): chr2:29,920,616, G>T on the plus strand (C>A on the coding strand, the complement: ALK is on the minus strand). VCF-style: chr2-29920616-G-T. GRCh37 (hg19) VCF-style: chr2-30143482-G-T.
Other names: short protein forms S15Y.
Identifiers: ClinVar variation 576342 (VCV000576342.12), dbSNP rs770134645, ClinGen allele CA1595061.
Genomic context (GRCh38, chr2:29,920,616, plus strand): 5'-CCCGCAGCTGGGGAGCCCGCGCGCTGGCCGGTCCCCATCCCGGAGCCCACAGCTGCCGTG[G>T]AAAGCAGCAGCGGCAGGAGCCACAGGAGCCCGATGGCTCCCATCCCGCCGGAGGAGGCCG-3'
Protein context (NP_004295.2, residues 5-25): GLLWLLPLLL[Ser15Tyr]TAAVGSGMGT